The following is an entry in ClinVar:

NM_000444.6(PHEX):c.134T>A (p.Leu45Ter)

Gene: PHEX (phosphate regulating endopeptidase X-linked; plus strand). Cytogenetic location: Xp22.11.
Variant type: single nucleotide variant.
Coding change: c.134T>A on transcript NM_000444.6 (MANE Select); coding-DNA position 134, T replaced by A.
Protein change: p.Leu45Ter; replaces leucine 45 with a stop codon.
Molecular consequence: nonsense.
Genome position (GRCh38, 1-based): chrX:22,038,484, T>A. VCF-style: chrX-22038484-T-A. GRCh37 (hg19) VCF-style: chrX-22056602-T-A.
Other names: c.134T>A, p.Leu45Ter (NM_001282754.2); short protein forms L45*.
Identifiers: ClinVar variation 265604 (VCV000265604.11), dbSNP rs886039661, ClinGen allele CA10588755.

ClinVar aggregate classification (germline): Pathogenic. Review status: criteria provided, multiple submitters, no conflicts (2 of 4 stars). 2 submissions from 2 submitters: Pathogenic (2). Last evaluated 2019-07-06.

Submissions (2):

Labcorp Genetics (formerly Invitae), Labcorp
Classification: Pathogenic. Last evaluated: 2019-07-06. Review status: criteria provided, single submitter. Criteria: Invitae Variant Classification Sherloc (09022015). Collection method: clinical testing. Allele origin: germline.
Comment: For these reasons, this variant has been classified as Pathogenic. Loss-of-function variants in PHEX are known to be pathogenic (PMID: 9097956, 9106524, 19219621). ClinVar contains an entry for this variant (Variation ID: 265604). This variant is not present in population databases (ExAC no frequency). This sequence change creates a premature translational stop signal (p.Leu45*) in the PHEX gene. It is expected to result in an absent or disrupted protein product.

GeneDx
Classification: Pathogenic. Last evaluated: 2016-06-10. Review status: criteria provided, single submitter. Criteria: GeneDx Variant Classification (06012015). Collection method: clinical testing. Allele origin: germline. Affected: yes.
Comment: The L45X nonsense pathogenic variant in the PHEX gene is predicted to cause loss of normal protein function either through protein truncation or nonsense-mediated mRNA decay. The variant was not observed in approximately 6,500 individuals of European and African American ancestry in the NHLBI Exome Sequencing Project, indicating it is not a common benign variant in these populations.

Literature cited by the submitters: PubMed 9097956 (cited by Labcorp Genetics (formerly Invitae), Labcorp); PubMed 9106524 (cited by Labcorp Genetics (formerly Invitae), Labcorp); PubMed 19219621 (cited by Labcorp Genetics (formerly Invitae), Labcorp).